The following is an entry in ClinVar:

ClinVar aggregate classification (germline): Uncertain significance. Review status: criteria provided, multiple submitters, no conflicts (2 of 4 stars). 3 submissions from 3 submitters: Uncertain significance (3). Last evaluated 2025-06-30.

Conditions:
Autoimmune lymphoproliferative syndrome type 1. Also called: AUTOIMMUNE LYMPHOPROLIFERATIVE SYNDROME, TYPE I, AUTOSOMAL DOMINANT. Identifiers: Orphanet 3261, MedGen C2717884, MONDO:0011158, OMIM 601859.
FAS-related disorder. Also called: FAS-related condition.

Allele frequency attached by ClinVar (database versions not stated): ExAC 0.00001; gnomAD 0.00001; TOPMed 0.00002; 1000 Genomes Project 30x 0.00016; 1000 Genomes Project 0.00020.
gnomAD v4.1: 2 of 1,613,314 alleles (0.00012%); highest among the groups gnomAD compares: Admixed American, 0.0033%; no homozygotes.

Submissions (3):

PreventionGenetics, part of Exact Sciences
Classification: Uncertain significance for FAS-related condition. Last evaluated: 2025-06-30. Review status: criteria provided, single submitter. Criteria: ACMG Guidelines, 2015. Collection method: clinical testing. Allele origin: germline.
Comment: The FAS c.950A>G variant is predicted to result in the amino acid substitution p.Asp317Gly. This variant has been reported in the heterozygous state in a patient affected with common variable immunodeficiency (Table S5 in Maffucci et al. 2016. PubMed ID: 27379089). An alternate missense change at the same amino acid position, described as p.(Asp317Val), has been reported in the heterozygous state in an individual affected with an autoimmune lymphoproliferative syndrome (Table S1 in Kuzmenko et al. 2024. PubMed ID: 39052144). To our knowledge, this variant has not been reported in a large population database (gnomAD), indicating this variant is rare. At this time, the clinical significance of this variant is uncertain due to the absence of conclusive functional and genetic evidence.

Labcorp Genetics (formerly Invitae), Labcorp
Classification: Uncertain significance for Autoimmune lymphoproliferative syndrome. Last evaluated: 2024-12-31. Review status: criteria provided, single submitter. Criteria: Invitae Variant Classification Sherloc (09022015). Collection method: clinical testing. Allele origin: germline.
Comment: This sequence change replaces aspartic acid, which is acidic and polar, with glycine, which is neutral and non-polar, at codon 317 of the FAS protein (p.Asp317Gly). This variant is present in population databases (rs200864612, gnomAD 0.003%). This variant has not been reported in the literature in individuals affected with FAS-related conditions. ClinVar contains an entry for this variant (Variation ID: 1051180). An algorithm developed to predict the effect of missense changes on protein structure and function (PolyPhen-2) suggests that this variant is likely to be disruptive. In summary, the available evidence is currently insufficient to determine the role of this variant in disease. Therefore, it has been classified as a Variant of Uncertain Significance.

New York Genome Center
Classification: Uncertain significance for Autoimmune lymphoproliferative syndrome type 1. Last evaluated: 2021-05-07. Review status: criteria provided, single submitter. Criteria: NYGC Assertion Criteria 2020. Collection method: clinical testing. Allele origin: inherited. Observed: 1 heterozygote. Study: CSER-NYCKidSeq.
Comment: The inherited c.950A>G (p.Asp317Gly) variant identified in the FAS gene substitutes a moderately conserved Aspartic Acid for Glycine atamino acid 317/336 (exon 9/9). This variant is found with low frequency in gnomAD(v3.1.1) (2 heterozygotes, 0 homozygotes; allele frequency: 1.31e-5) suggesting it is not a common benign variant in the populations represented in that database. In silico algorithms predict this variant to be Damaging (SIFT; score:0.03) and Benign (REVEL; score:0.517) to the function of the canonical transcript. This variant is absent from ClinVar, and has been identified in one individual in the literature with recurrent pneumonia, recurrent sinusitis, Giardiasis, colitis, ITP, and low IgG, IgA, IgM and CD19 [Patient 18, Supp Table 5 & 6, PMID:27379089]. The p.Asp317 residue is not within a mapped domain of FAS (UniProtKB:P25445). Given the lack of compelling evidence for its pathogenicity, the inherited c.950A>G(p.Asp317Gly) variant identified in the FAS gene is reported as a Variant of Uncertain Significance.

NM_000043.6(FAS):c.950A>G (p.Asp317Gly)

Gene: FAS (Fas cell surface death receptor; plus strand). Cytogenetic location: 10q23.31.
Variant type: single nucleotide variant.
Coding change: c.950A>G on transcript NM_000043.6 (MANE Select); coding-DNA position 950, A replaced by G.
Protein change: p.Asp317Gly; replaces aspartic acid 317 with glycine.
Molecular consequence: missense variant. On other transcripts: 3 prime UTR variant (2), non-coding transcript variant (7).
Genome position (GRCh38, 1-based): chr10:89,014,392, A>G. VCF-style: chr10-89014392-A-G. GRCh37 (hg19) VCF-style: chr10-90774149-A-G.
Other names: c.*273A>G (NM_001320619.2); c.887A>G, p.Asp296Gly (NM_152871.4); c.*262A>G (NM_152872.4); c.950A>G (NM_000043.5); short protein forms D296G, D317G.
Identifiers: ClinVar variation 1051180 (VCV001051180.10), dbSNP rs200864612, ClinGen allele CA5593240.